The following is an entry in ClinVar:

ClinVar aggregate classification (germline): Uncertain significance. Review status: criteria provided, multiple submitters, no conflicts (2 of 4 stars). 3 submissions from 3 submitters: Uncertain significance (3). Last evaluated 2025-12-09.

Conditions:
Familial isolated arrhythmogenic right ventricular dysplasia. Identifiers: Orphanet 217656, MedGen C4274968, MONDO:0016342.
Arrhythmogenic right ventricular dysplasia 11. Also called: Arrhythmogenic Right Ventricular Dysplasia/Cardiomyopathy11; ARRHYTHMOGENIC RIGHT VENTRICULAR DYSPLASIA, FAMILIAL, 11; Arrhythmogenic right ventricular dysplasia 11 with mild palmoplantar keratoderma and woolly hair. Identifiers: MedGen C1864850, MONDO:0012506, OMIM 610476.

Allele frequency attached by ClinVar (database versions not stated): gnomAD exomes below 0.00001; TOPMed below 0.00001; ExAC 0.00001; gnomAD 0.00001; 1000 Genomes Project 30x 0.00016; 1000 Genomes Project 0.00020.
gnomAD v4.1: 2 of 1,614,090 alleles (0.00012%); highest among the groups gnomAD compares: East Asian, 0.0045%; no homozygotes.

Submissions (3):

Labcorp Genetics (formerly Invitae), Labcorp
Classification: Uncertain significance for Arrhythmogenic right ventricular dysplasia 11. Last evaluated: 2025-12-09. Review status: criteria provided, single submitter. Criteria: Invitae Variant Classification Sherloc (09022015). Collection method: clinical testing. Allele origin: germline.
Comment: This sequence change replaces tyrosine, which is neutral and polar, with histidine, which is basic and polar, at codon 493 of the DSC2 protein (p.Tyr493His). This variant is present in population databases (rs565828783, gnomAD 0.01%). This variant has not been reported in the literature in individuals affected with DSC2-related conditions. ClinVar contains an entry for this variant (Variation ID: 2746951). Invitae Evidence Modeling of protein sequence and biophysical properties (such as structural, functional, and spatial information, amino acid conservation, physicochemical variation, residue mobility, and thermodynamic stability) indicates that this missense variant is expected to disrupt DSC2 protein function with a positive predictive value of 80%. In summary, the available evidence is currently insufficient to determine the role of this variant in disease. Therefore, it has been classified as a Variant of Uncertain Significance.

Blueprint Genetics
Classification: Uncertain significance. Last evaluated: 2023-08-02. Review status: criteria provided, single submitter. Criteria: ACMG Guidelines, 2015. Collection method: clinical testing. Allele origin: germline.

All of Us Research Program, National Institutes of Health
Classification: Uncertain significance for Familial isolated arrhythmogenic right ventricular dysplasia. Last evaluated: 2023-04-10. Review status: criteria provided, single submitter. Criteria: ACMG Guidelines, 2015. Collection method: clinical testing. Allele origin: germline. Inheritance: Autosomal dominant inheritance. Observed: 1 variant allele, 1 heterozygote.
Comment: This missense variant replaces tyrosine with histidine at codon 493 of the DSC2 protein. Computational prediction is inconclusive regarding the impact of this variant on protein structure and function (internally defined REVEL score threshold 0.5 < inconclusive < 0.7, PMID: 27666373). To our knowledge, functional studies have not been reported for this variant. This variant has not been reported in individuals affected with DSC2-related disorders in the literature. This variant has been identified in 3/251246 chromosomes in the general population by the Genome Aggregation Database (gnomAD). The available evidence is insufficient to determine the role of this variant in disease conclusively. Therefore, this variant is classified as a Variant of Uncertain Significance.

This study involves interpretation of variants in research participants for the purpose of population health screening. Participant phenotype was not available at the time of variant classification. Additional details can be found in publication PMID: 35346344, PMCID: PMC8962531

NM_024422.6(DSC2):c.1477T>C (p.Tyr493His)

Gene: DSC2 (desmocollin 2; minus strand). Cytogenetic location: 18q12.1.
Variant type: single nucleotide variant.
Coding change: c.1477T>C on transcript NM_024422.6 (MANE Select); coding-DNA position 1477, T replaced by C.
Protein change: p.Tyr493His; replaces tyrosine 493 with histidine.
Molecular consequence: missense variant.
Genome position (GRCh38, 1-based): chr18:31,080,139, A>G on the plus strand (T>C on the coding strand, the complement: DSC2 is on the minus strand). VCF-style: chr18-31080139-A-G. GRCh37 (hg19) VCF-style: chr18-28660105-A-G.
Other names: c.1048T>C, p.Tyr350His (NM_001406506.1, NM_001406507.1); c.1477T>C, p.Tyr493His (NM_004949.5); short protein forms Y350H, Y493H.
Identifiers: ClinVar variation 2746951 (VCV002746951.5), dbSNP rs565828783, ClinGen allele CA031464.